The following is an entry in ClinVar:

ClinVar aggregate classification (germline): Uncertain significance (1 of 4 stars; one submission).

Conditions:
Neuroblastoma, susceptibility to, 3. Also called: ALK-Related Neuroblastic Tumor Susceptibility. Identifiers: Orphanet 635, MedGen C2751681, MONDO:0013083, OMIM 613014.

Submission:

Labcorp Genetics (formerly Invitae), Labcorp
Classification: Uncertain significance for Neuroblastoma, susceptibility to, 3. Last evaluated: 2018-05-16. Review status: criteria provided, single submitter. Criteria: Invitae Variant Classification Sherloc (09022015). Collection method: clinical testing. Allele origin: germline.
Comment: In summary, the available evidence is currently insufficient to determine the role of this variant in disease. Therefore, it has been classified as a Variant of Uncertain Significance. Algorithms developed to predict the effect of missense changes on protein structure and function are either unavailable or do not agree on the potential impact of this missense change (SIFT: "Deleterious"; PolyPhen-2: "Benign"; Align-GVGD: "Class C0"). This variant has not been reported in the literature in individuals with ALK-related disease. This variant is not present in population databases (ExAC no frequency). This sequence change replaces asparagine with aspartic acid at codon 169 of the ALK protein (p.Asn169Asp). The asparagine residue is moderately conserved and there is a small physicochemical difference between asparagine and aspartic acid.

NM_004304.5(ALK):c.505A>G (p.Asn169Asp)

Gene: ALK (ALK receptor tyrosine kinase; minus strand). Cytogenetic location: 2p23.1.
Variant type: single nucleotide variant.
Coding change: c.505A>G on transcript NM_004304.5 (MANE Select); coding-DNA position 505, A replaced by G.
Protein change: p.Asn169Asp; replaces asparagine 169 with aspartic acid.
Molecular consequence: missense variant.
Genome position (GRCh38, 1-based): chr2:29,920,155, T>C on the plus strand (A>G on the coding strand, the complement: ALK is on the minus strand). VCF-style: chr2-29920155-T-C. GRCh37 (hg19) VCF-style: chr2-30143021-T-C.
Other names: short protein forms N169D.
Identifiers: ClinVar variation 572290 (VCV000572290.8), dbSNP rs932619554, ClinGen allele CA346589918.
Genomic context (GRCh38, chr2:29,920,155, plus strand): 5'-GGCGGATCCTCAGTCGCCCTTCGCCTTGGCGAATCCACCAACTGAACAGCTCGCTGAGAT[T>C]GAACTGGAGCAGCCCCACAGCCGCCTCCCCGGGGGGCCCGACGCAACCCTCCAAGATCGC-3'
Protein context (NP_004295.2, residues 159-179): GEAAVGLLQF[Asn169Asp]LSELFSWWIR